The following is an entry in ClinVar:

ClinVar aggregate classification (germline): Likely benign (1 of 4 stars; one submission).

gnomAD v4.1: 26 of 1,558,336 alleles (0.0017%); highest among the groups gnomAD compares: Non-Finnish European, 0.0021%; no homozygotes.

Submission:

Mayo Clinic Laboratories, Mayo Clinic
Classification: Likely benign. Last evaluated: 2025-03-18. Review status: criteria provided, single submitter. Criteria: ACMG Guidelines, 2015. Collection method: clinical testing. Allele origin: germline. Observed: 2 variant alleles.
Comment: BP4, BP7

NM_007254.4(PNKP):c.1386+28C>T

Gene: PNKP (polynucleotide kinase 3'-phosphatase; minus strand). Cytogenetic location: 19q13.33.
Variant type: single nucleotide variant.
Coding change: c.1386+28C>T on transcript NM_007254.4 (MANE Select); 28 bases into the intron after coding-DNA position 1386, C replaced by T.
Molecular consequence: intron variant.
Genome position (GRCh38, 1-based): chr19:49,861,580, G>A on the plus strand (C>T on the coding strand, the complement: PNKP is on the minus strand). VCF-style: chr19-49861580-G-A. GRCh37 (hg19) VCF-style: chr19-50364837-G-A.
Other names: p.?.
Identifiers: ClinVar variation 4684391 (VCV004684391.1).